The following is an entry in ClinVar:

ClinVar aggregate classification (germline): Uncertain significance. Review status: criteria provided, multiple submitters, no conflicts (2 of 4 stars). 2 submissions from 2 submitters: Uncertain significance (2). Last evaluated 2026-02-26.

Conditions:
Inborn genetic diseases. Identifiers: MedGen C0950123, MeSH D030342.
Nephronophthisis 9 (NPHP9). Identifiers: Orphanet 655, MedGen C3151188, MONDO:0013444, OMIM 613824.

gnomAD v4.1: 3 of 1,612,966 alleles (0.00019%); highest among the groups gnomAD compares: East Asian, 0.0022%; no homozygotes.

Submissions (2):

Ambry Genetics
Classification: Uncertain significance for Inborn genetic diseases. Last evaluated: 2026-02-26. Review status: criteria provided, single submitter. Criteria: Ambry Variant Classification Scheme 2023. Collection method: clinical testing. Allele origin: germline.

Labcorp Genetics (formerly Invitae), Labcorp
Classification: Uncertain significance for Nephronophthisis 9. Last evaluated: 2025-11-28. Review status: criteria provided, single submitter. Criteria: Invitae Variant Classification Sherloc (09022015). Collection method: clinical testing. Allele origin: germline.
Comment: This sequence change replaces glycine, which is neutral and non-polar, with serine, which is neutral and polar, at codon 149 of the NEK8 protein (p.Gly149Ser). This variant is not present in population databases (gnomAD no frequency). This variant has not been reported in the literature in individuals affected with NEK8-related conditions. ClinVar contains an entry for this variant (Variation ID: 3625295). An algorithm developed to predict the effect of missense changes on protein structure and function (PolyPhen-2) suggests that this variant is likely to be disruptive. In summary, the available evidence is currently insufficient to determine the role of this variant in disease. Therefore, it has been classified as a Variant of Uncertain Significance.

NM_178170.3(NEK8):c.445G>A (p.Gly149Ser)

Gene: NEK8 (NIMA related kinase 8; plus strand). Cytogenetic location: 17q11.2.
Variant type: single nucleotide variant.
Coding change: c.445G>A on transcript NM_178170.3 (MANE Select); coding-DNA position 445, G replaced by A.
Protein change: p.Gly149Ser; replaces glycine 149 with serine.
Molecular consequence: missense variant.
Genome position (GRCh38, 1-based): chr17:28,734,963, G>A. VCF-style: chr17-28734963-G-A. GRCh37 (hg19) VCF-style: chr17-27061981-G-A.
Other names: c.445G>A (NM_178170.2); short protein forms G149S.
Identifiers: ClinVar variation 3625295 (VCV003625295.3).